The following is an entry in ClinVar:

NM_001122955.4(BSCL2):c.790A>G (p.Ile264Val)

Genes: BSCL2 (BSCL2 lipid droplet biogenesis associated, seipin; minus strand), HNRNPUL2-BSCL2 (HNRNPUL2-BSCL2 readthrough (NMD candidate); minus strand). Cytogenetic location: 11q12.3.
Variant type: single nucleotide variant.
Coding change: c.790A>G on transcript NM_001122955.4 (MANE Select); coding-DNA position 790, A replaced by G.
Protein change: p.Ile264Val; replaces isoleucine 264 with valine.
Molecular consequence: missense variant. On other transcripts: non-coding transcript variant (1).
Genome position (GRCh38, 1-based): chr11:62,692,449, T>C on the plus strand (A>G on the coding strand, the complement: BSCL2 is on the minus strand). VCF-style: chr11-62692449-T-C. GRCh37 (hg19) VCF-style: chr11-62459921-T-C.
Other names: c.598A>G, p.Ile200Val (NM_001130702.2, NM_032667.6); c.790A>G, p.Ile264Val (NM_001386027.1, NM_001386028.1); short protein forms I200V, I264V.
Identifiers: ClinVar variation 3647556 (VCV003647556.2).
Genomic context (GRCh38, chr11:62,692,449, plus strand): 5'-AGTGCGCGTGGATGCGGAGGTAGGCTCCATACAGCTGGATGCGCTTGCTGTGGATCTCAA[T>C]GATCGCTCCAGTGGTCGGCACGTACTGTGAGGGGGTGGGGTGAGGGTGGCGTCAGGCCAG-3'
Protein context (NP_001116427.1, residues 254-274): NSYVPTTGAI[Ile264Val]EIHSKRIQLY

ClinVar aggregate classification (germline): Uncertain significance (1 of 4 stars; one submission).

Conditions:
Charcot-Marie-Tooth disease type 2. Also called: Charcot-Marie-Tooth type 2. Identifiers: Orphanet 64746, MedGen C0270914, MONDO:0018993.

gnomAD v4.1: 1 of 1,614,014 alleles (0.000062%); highest among the groups gnomAD compares: Non-Finnish European, 0.000085%; no homozygotes.

Submission:

Labcorp Genetics (formerly Invitae), Labcorp
Classification: Uncertain significance for Charcot-Marie-Tooth disease type 2. Last evaluated: 2024-03-25. Review status: criteria provided, single submitter. Criteria: Invitae Variant Classification Sherloc (09022015). Collection method: clinical testing. Allele origin: germline.
Comment: This sequence change replaces isoleucine, which is neutral and non-polar, with valine, which is neutral and non-polar, at codon 200 of the BSCL2 protein (p.Ile200Val). This variant is not present in population databases (gnomAD no frequency). This variant has not been reported in the literature in individuals affected with BSCL2-related conditions. Advanced modeling of protein sequence and biophysical properties (such as structural, functional, and spatial information, amino acid conservation, physicochemical variation, residue mobility, and thermodynamic stability) performed at Invitae indicates that this missense variant is not expected to disrupt BSCL2 protein function with a negative predictive value of 80%. In summary, the available evidence is currently insufficient to determine the role of this variant in disease. Therefore, it has been classified as a Variant of Uncertain Significance.